The following is an entry in ClinVar:

ClinVar aggregate classification (germline): Uncertain significance. Review status: criteria provided, multiple submitters, no conflicts (2 of 4 stars). 2 submissions from 2 submitters: Uncertain significance (2). Last evaluated 2023-09-01.

Conditions:
Pontocerebellar hypoplasia type 9. Identifiers: Orphanet 369920, MedGen C4014354, MONDO:0014351, OMIM 615809.

Submissions (2):

CeGaT Center for Human Genetics Tuebingen
Classification: Uncertain significance. Last evaluated: 2023-09-01. Review status: criteria provided, single submitter. Criteria: CeGaT Center For Human Genetics Tuebingen Variant Classification Criteria Version 2. Collection method: clinical testing. Allele origin: germline. Affected: yes. Observed: 1 variant allele.
Comment: AMPD2: PM2, PM3:Supporting, PM4:Supporting, PP4

Neuberg Centre For Genomic Medicine, NCGM
Classification: Uncertain significance for Pontocerebellar hypoplasia type 9. Review status: criteria provided, single submitter. Criteria: ACMG Guidelines, 2015. Collection method: clinical testing. Allele origin: germline. Inheritance: Autosomal recessive inheritance. Affected: yes.
Comment: The c.2173_2175del (p.Glu725del) inframe deletion variant in AMPD2 gene has not been reported previously as a pathogenic variant nor as a benign variant, to our knowledge. The p.Glu725del variant is novel (not in any individuals) in gnomAD Exomes and 1000 Genomes. This p.Glu725del causes deletion of amino acid Glutamic Acid at position 725. Since this is an inframe deletion it is not expected to cause protein truncation. The observed mutation is not in repeat region. For these reasons, this variant has been classified as Uncertain Significance (VUS).

NM_001368809.2(AMPD2):c.2170GAG[1] (p.Glu725del)

Gene: AMPD2 (adenosine monophosphate deaminase 2; plus strand). Cytogenetic location: 1p13.3.
Variant type: Microsatellite.
Coding change: c.2170GAG[1] on transcript NM_001368809.2 (MANE Select); one copy of the 3-base unit GAG starting at c.2170; the reference has two copies in a row; one copy, 3 bases deleted; also written c.2173_2175del.
Protein change: p.Glu725del; deletes glutamic acid 725.
Molecular consequence: inframe deletion. On other transcripts: inframe indel (1).
Genome position (GRCh38, 1-based): chr1:109,630,698-109,630,700, GAG deleted; deleting any 3 consecutive bases within chr1:109,630,694-109,630,700 gives the same sequence; the position shown is the placement nearest the transcript's 3' end. VCF-style (leftmost placement, unchanged base first): chr1-109630693-TGGA-T. GRCh37 (hg19) VCF-style: chr1-110173315-TGGA-T.
Other names: c.2173_2175del (NM_001368809.2); c.2332_2334GAG[1], p.Glu779del (NM_001257360.2); c.1978GAG[1], p.Glu661del (NM_001257361.2); c.2107GAG[1], p.Glu704del (NM_001308170.1); c.2170GAG[1], p.Glu725del (NM_004037.9); c.2089GAG[1], p.Glu698del (NM_139156.4); short protein forms E661del, E698del, E704del, E725del, E779del.
Identifiers: ClinVar variation 2582858 (VCV002582858.25), dbSNP rs2524431561, ClinGen allele CA2582341926.